The following is an entry in ClinVar:

ClinVar aggregate classification (germline): Uncertain significance. Review status: criteria provided, multiple submitters, no conflicts (2 of 4 stars). 2 submissions from 2 submitters: Uncertain significance (2). Last evaluated 2024-06-19.

Conditions:
Inborn genetic diseases. Identifiers: MedGen C0950123, MeSH D030342.

gnomAD v4.1: 1 of 1,614,156 alleles (0.000062%); highest among the groups gnomAD compares: Non-Finnish European, 0.000085%; no homozygotes.

Submissions (2):

Ambry Genetics
Classification: Uncertain significance for Inborn genetic diseases. Last evaluated: 2024-06-19. Review status: criteria provided, single submitter. Criteria: Ambry Variant Classification Scheme 2023. Collection method: clinical testing. Allele origin: germline.

Labcorp Genetics (formerly Invitae), Labcorp
Classification: Uncertain significance. Last evaluated: 2023-09-10. Review status: criteria provided, single submitter. Criteria: Invitae Variant Classification Sherloc (09022015). Collection method: clinical testing. Allele origin: germline.
Comment: This variant is not present in population databases (gnomAD no frequency). In summary, the available evidence is currently insufficient to determine the role of this variant in disease. Therefore, it has been classified as a Variant of Uncertain Significance. Algorithms developed to predict the effect of sequence changes on RNA splicing suggest that this variant may create or strengthen a splice site. Advanced modeling of protein sequence and biophysical properties (such as structural, functional, and spatial information, amino acid conservation, physicochemical variation, residue mobility, and thermodynamic stability) has been performed at Invitae for this missense variant, however the output from this modeling did not meet the statistical confidence thresholds required to predict the impact of this variant on ADAMTSL4 protein function. This variant has not been reported in the literature in individuals affected with ADAMTSL4-related conditions. This sequence change replaces valine, which is neutral and non-polar, with methionine, which is neutral and non-polar, at codon 452 of the ADAMTSL4 protein (p.Val452Met).

NM_019032.6(ADAMTSL4):c.1354G>A (p.Val452Met)

Genes: ADAMTSL4 (ADAMTS like 4; plus strand), ADAMTSL4-AS2 (ADAMTSL4 antisense RNA 2; minus strand). Cytogenetic location: 1q21.2.
Variant type: single nucleotide variant.
Coding change: c.1354G>A on transcript NM_019032.6 (MANE Select); coding-DNA position 1354, G replaced by A.
Protein change: p.Val452Met; replaces valine 452 with methionine.
Molecular consequence: missense variant.
Genome position (GRCh38, 1-based): chr1:150,555,548, G>A. VCF-style: chr1-150555548-G-A. GRCh37 (hg19) VCF-style: chr1-150528024-G-A.
Other names: c.1423G>A, p.Val475Met (NM_001288607.2, NM_001288608.2); c.1354G>A, p.Val452Met (NM_001378596.1, NM_025008.5); c.1354G>A (NM_019032.4); short protein forms V475M, V452M.
Identifiers: ClinVar variation 2759953 (VCV002759953.3), dbSNP rs2526662781, ClinGen allele CA342307894.
Genomic context (GRCh38, chr1:150,555,548, plus strand): 5'-CGTCACACTGAAAAGGTCCAGGATGGGACCCTGTGTCAGCCTGGAGCCCCTGACATCTGT[G>A]TGGCTGGACGCTGTCTGGTGAGGGAAGACAGTGTGTGTGTGCACACACACATGCATATGC-3'
Protein context (NP_061905.2, residues 442-462): LCQPGAPDIC[Val452Met]AGRCLSPGCD